The following is an entry in ClinVar:

NM_006005.3(WFS1):c.2050G>A (p.Ala684Thr)

Gene: WFS1 (wolframin ER transmembrane glycoprotein; plus strand). Cytogenetic location: 4p16.1.
Variant type: single nucleotide variant.
Coding change: c.2050G>A on transcript NM_006005.3 (MANE Select); coding-DNA position 2050, G replaced by A.
Protein change: p.Ala684Thr; replaces alanine 684 with threonine.
Molecular consequence: missense variant.
Genome position (GRCh38, 1-based): chr4:6,301,845, G>A. VCF-style: chr4-6301845-G-A. GRCh37 (hg19) VCF-style: chr4-6303572-G-A.
Other names: c.2050G>A, p.Ala684Thr (NM_001145853.1); short protein forms A684T.
Identifiers: ClinVar variation 1458816 (VCV001458816.6), dbSNP rs1412819148, ClinGen allele CA356177608.

ClinVar aggregate classification (germline): Pathogenic (1 of 4 stars; one submission).

Allele frequency attached by ClinVar (database versions not stated): gnomAD 0.00001.
gnomAD v4.1: 1 of 1,612,930 alleles (0.000062%); highest among the groups gnomAD compares: Admixed American, 0.0017%; no homozygotes.

Submission:

Labcorp Genetics (formerly Invitae), Labcorp
Classification: Pathogenic. Last evaluated: 2024-10-15. Review status: criteria provided, single submitter. Criteria: Invitae Variant Classification Sherloc (09022015). Collection method: clinical testing. Allele origin: germline.
Comment: This sequence change replaces alanine, which is neutral and non-polar, with threonine, which is neutral and polar, at codon 684 of the WFS1 protein (p.Ala684Thr). This variant is present in population databases (no rsID available, gnomAD 0.1%). This missense change has been observed in individuals with autosomal recessive Wolfram syndrome (PMID: 20875904, 27045389). ClinVar contains an entry for this variant (Variation ID: 1458816). Invitae Evidence Modeling of protein sequence and biophysical properties (such as structural, functional, and spatial information, amino acid conservation, physicochemical variation, residue mobility, and thermodynamic stability) indicates that this missense variant is expected to disrupt WFS1 protein function with a positive predictive value of 95%. This variant disrupts the p.Ala684 amino acid residue in WFS1. Other variant(s) that disrupt this residue have been determined to be pathogenic (PMID: 11295831, 21067485, 21538838, 22238590, 29529044). This suggests that this residue is clinically significant, and that variants that disrupt this residue are likely to be disease-causing. For these reasons, this variant has been classified as Pathogenic.

Literature cited by the submitters: PubMed 20875904; PubMed 27045389; PubMed 11295831; PubMed 21067485; PubMed 21538838; PubMed 22238590; PubMed 29529044.